The following is an entry in ClinVar:

NM_012330.4(KAT6B):c.3518A>G (p.Glu1173Gly)

Gene: KAT6B (lysine acetyltransferase 6B; plus strand). Cytogenetic location: 10q22.2.
Variant type: single nucleotide variant.
Coding change: c.3518A>G on transcript NM_012330.4 (MANE Select); coding-DNA position 3518, A replaced by G.
Protein change: p.Glu1173Gly; replaces glutamic acid 1173 with glycine.
Molecular consequence: missense variant.
Genome position (GRCh38, 1-based): chr10:75,025,103, A>G. VCF-style: chr10-75025103-A-G. GRCh37 (hg19) VCF-style: chr10-76784861-A-G.
Other names: c.2969A>G, p.Glu990Gly (NM_001256468.2, NM_001370138.1); c.2642A>G, p.Glu881Gly (NM_001256469.2, NM_001370139.1, NM_001370140.1 and 2 more transcripts); c.2480A>G, p.Glu827Gly (NM_001370132.1); c.1829A>G, p.Glu610Gly (NM_001370133.1); c.1433A>G, p.Glu478Gly (NM_001370134.1); c.1175A>G, p.Glu392Gly (NM_001370135.1); c.3518A>G, p.Glu1173Gly (NM_001370136.1, NM_001370137.1); c.2453A>G, p.Glu818Gly (NM_001370143.1, NM_001370144.1); short protein forms E1173G, E392G, E881G, E818G, E990G, E478G, E610G, E827G.
Identifiers: ClinVar variation 2057669 (VCV002057669.5), dbSNP rs761285524, ClinGen allele CA377287925.
Genomic context (GRCh38, chr10:75,025,103, plus strand): 5'-CAGAAGTACTGAATGAGCCCTTTGACAACTCAGATGAAGAGAGGCCAATGCCACAGCTGG[A>G]GCCTACCTGTGAGATTGAAGTGGAGGAAGATGGCAGGAAGCCAGTCCTGAGAAAAGCATT-3'
Protein context (NP_036462.2, residues 1163-1183): SDEERPMPQL[Glu1173Gly]PTCEIEVEED

ClinVar aggregate classification (germline): Uncertain significance. Review status: criteria provided, multiple submitters, no conflicts (2 of 4 stars). 2 submissions from 2 submitters: Uncertain significance (2). Last evaluated 2024-03-20.

Conditions:
Blepharophimosis - intellectual disability syndrome, SBBYS type (SBBYSS). Also called: Say-Barber-Biesecker variant of Ohdo syndrome (SBBYSS); Say-Barber-Biesecker-Young-Simpson variant of Ohdo Syndrome; Say-Barber-Biesecker Variant of Ohdo Syndrome; Young Simpson syndrome; Mental retardation unusual facies hypothyroidism; Ohdo syndrome, SBBYS variant. Identifiers: Orphanet 3047, MedGen C1863557, MONDO:0011365, OMIM 603736.
Genitopatellar syndrome (GTPTS). Also called: Genitopatellar syndrome (GPS); ABSENT PATELLAE, SCROTAL HYPOPLASIA, RENAL ANOMALIES, FACIAL DYSMORPHISM, AND MENTAL RETARDATION. Identifiers: Orphanet 85201, MedGen C1853566, MONDO:0011640, OMIM 606170.

Allele frequency attached by ClinVar (database versions not stated): gnomAD exomes below 0.00001; TOPMed below 0.00001.
gnomAD v4.1: 5 of 1,614,214 alleles (0.00031%); highest among the groups gnomAD compares: Non-Finnish European, 0.00042%; no homozygotes.

Submissions (2):

Fulgent Genetics
Classification: Uncertain significance for Blepharophimosis - intellectual disability syndrome, SBBYS type; Genitopatellar syndrome. Last evaluated: 2024-03-20. Review status: criteria provided, single submitter. Criteria: ACMG Guidelines, 2015. Collection method: clinical testing. Allele origin: germline.

Labcorp Genetics (formerly Invitae), Labcorp
Classification: Uncertain significance for Genitopatellar syndrome. Last evaluated: 2022-05-03. Review status: criteria provided, single submitter. Criteria: Invitae Variant Classification Sherloc (09022015). Collection method: clinical testing. Allele origin: germline.
Comment: In summary, the available evidence is currently insufficient to determine the role of this variant in disease. Therefore, it has been classified as a Variant of Uncertain Significance. Algorithms developed to predict the effect of missense changes on protein structure and function are either unavailable or do not agree on the potential impact of this missense change (SIFT: "Tolerated"; PolyPhen-2: "Possibly Damaging"; Align-GVGD: "Class C0"). This variant has not been reported in the literature in individuals affected with KAT6B-related conditions. This variant is not present in population databases (gnomAD no frequency). This sequence change replaces glutamic acid, which is acidic and polar, with glycine, which is neutral and non-polar, at codon 1173 of the KAT6B protein (p.Glu1173Gly).